The following is an entry in ClinVar:

NM_001365536.1(SCN9A):c.4206+3A>G

Genes: SCN1A-AS1 (SCN1A and SCN9A antisense RNA 1; plus strand), SCN9A (sodium voltage-gated channel alpha subunit 9; minus strand). Cytogenetic location: 2q24.3.
Variant type: single nucleotide variant.
Coding change: c.4206+3A>G on transcript NM_001365536.1 (MANE Select); 3 bases into the intron after coding-DNA position 4206, A replaced by G.
Molecular consequence: intron variant.
Genome position (GRCh38, 1-based): chr2:166,228,688, T>C on the plus strand (A>G on the coding strand, the complement: SCN9A is on the minus strand). VCF-style: chr2-166228688-T-C. GRCh37 (hg19) VCF-style: chr2-167085198-T-C.
Other names: c.4173+3A>G (NM_002977.4).
Identifiers: ClinVar variation 999213 (VCV000999213.9), dbSNP rs1694951853, ClinGen allele CA1304943594.

ClinVar aggregate classification (germline): Uncertain significance. Review status: criteria provided, multiple submitters, no conflicts (2 of 4 stars). 2 submissions from 2 submitters: Uncertain significance (2). Last evaluated 2023-06-16.

Conditions:
Inborn genetic diseases. Identifiers: MedGen C0950123, MeSH D030342.
Generalized epilepsy with febrile seizures plus, type 7 (GEFSP7). Also called: GEFS+, TYPE 7. Identifiers: Orphanet 36387, MedGen C2751778, MONDO:0013470, OMIM 613863.
Neuropathy, hereditary sensory and autonomic, type 2A (HSAN2A). Also called: HSAN IIA; MORVAN DISEASE; NEUROPATHY, CONGENITAL SENSORY; NEUROPATHY, HEREDITARY SENSORY RADICULAR, AUTOSOMAL RECESSIVE; NEUROPATHY, HEREDITARY SENSORY, TYPE IIA; NEUROPATHY, PROGRESSIVE SENSORY, OF CHILDREN. Identifiers: Orphanet 970, MedGen C2752089, MONDO:0024309, OMIM 201300.

Allele frequency attached by ClinVar (database versions not stated): gnomAD exomes below 0.00001.
gnomAD v4.1: 1 of 1,606,980 alleles (0.000062%); highest among the groups gnomAD compares: Non-Finnish European, 0.000085%; no homozygotes.

Submissions (2):

Labcorp Genetics (formerly Invitae), Labcorp
Classification: Uncertain significance for Neuropathy, hereditary sensory and autonomic, type 2A; Generalized epilepsy with febrile seizures plus, type 7. Last evaluated: 2023-06-16. Review status: criteria provided, single submitter. Criteria: Invitae Variant Classification Sherloc (09022015). Collection method: clinical testing. Allele origin: germline.
Comment: In summary, the available evidence is currently insufficient to determine the role of this variant in disease. Therefore, it has been classified as a Variant of Uncertain Significance. Variants that disrupt the consensus splice site are a relatively common cause of aberrant splicing (PMID: 17576681, 9536098). Algorithms developed to predict the effect of sequence changes on RNA splicing suggest that this variant is not likely to affect RNA splicing. ClinVar contains an entry for this variant (Variation ID: 999213). This variant has not been reported in the literature in individuals affected with SCN9A-related conditions. This variant is not present in population databases (gnomAD no frequency). This sequence change falls in intron 22 of the SCN9A gene. It does not directly change the encoded amino acid sequence of the SCN9A protein. It affects a nucleotide within the consensus splice site.

Ambry Genetics
Classification: Uncertain significance for Inborn genetic diseases. Last evaluated: 2021-07-26. Review status: criteria provided, single submitter. Criteria: Ambry Variant Classification Scheme 2023. Collection method: clinical testing. Allele origin: germline.
Comment: The c.4173+3A>G intronic variant results from an A to G substitution 3 nucleotides after coding exon 21 in the SCN9A gene. This nucleotide position is well conserved in available vertebrate species. In silico splice site analysis predicts that this alteration will not have any significant effect on splicing. Since supporting evidence is limited at this time, the clinical significance of this alteration remains unclear.

Literature cited by the submitters: PubMed 17576681 (cited by Labcorp Genetics (formerly Invitae), Labcorp); PubMed 9536098 (cited by Labcorp Genetics (formerly Invitae), Labcorp).